The following is an entry in ClinVar:

NM_001080517.3(SETD5):c.1362G>C (p.Gln454His)

Gene: SETD5 (SET domain containing 5; plus strand). Cytogenetic location: 3p25.3.
Variant type: single nucleotide variant.
Coding change: c.1362G>C on transcript NM_001080517.3 (MANE Select); coding-DNA position 1362, G replaced by C.
Protein change: p.Gln454His; replaces glutamine 454 with histidine.
Molecular consequence: missense variant.
Genome position (GRCh38, 1-based): chr3:9,445,222, G>C. VCF-style: chr3-9445222-G-C. GRCh37 (hg19) VCF-style: chr3-9486906-G-C.
Other names: c.1068G>C, p.Gln356His (NM_001292043.2, NM_001349451.2); short protein forms Q356H, Q454H.
Identifiers: ClinVar variation 2499346 (VCV002499346.1), dbSNP rs999952212, ClinGen allele CA69961480.

ClinVar aggregate classification (germline): Uncertain significance (1 of 4 stars; one submission).

Allele frequency attached by ClinVar (database versions not stated): gnomAD exomes below 0.00001; TOPMed below 0.00001; gnomAD 0.00001.
gnomAD v4.1: 2 of 1,613,104 alleles (0.00012%); highest among the groups gnomAD compares: Admixed American, 0.0017%; no homozygotes.

Submission:

GeneDx
Classification: Uncertain significance. Last evaluated: 2022-10-14. Review status: criteria provided, single submitter. Criteria: GeneDx Variant Classification Process June 2021. Collection method: clinical testing. Allele origin: germline. Affected: yes.
Comment: Not observed at significant frequency in large population cohorts (gnomAD); In silico analysis supports that this missense variant does not alter protein structure/function; Has not been previously published as pathogenic or benign to our knowledge